The following is an entry in ClinVar:

ClinVar aggregate classification (germline): Uncertain significance (1 of 4 stars; one submission).

Allele frequency attached by ClinVar (database versions not stated): ExAC 0.00002; gnomAD 0.00002 and 0.00004; gnomAD exomes 0.00002 and 0.00003; TOPMed 0.00002; 1000 Genomes Project 30x 0.00031; 1000 Genomes Project 0.00040.
gnomAD v4.1: 54 of 1,614,114 alleles (0.0033%); highest among the groups gnomAD compares: South Asian, 0.012%; no homozygotes.

Submission:

Labcorp Genetics (formerly Invitae), Labcorp
Classification: Uncertain significance. Last evaluated: 2022-08-15. Review status: criteria provided, single submitter. Criteria: Invitae Variant Classification Sherloc (09022015). Collection method: clinical testing. Allele origin: germline.
Comment: This sequence change replaces threonine, which is neutral and polar, with methionine, which is neutral and non-polar, at codon 1329 of the LCT protein (p.Thr1329Met). This variant is present in population databases (rs555708380, gnomAD 0.01%). This variant has not been reported in the literature in individuals affected with LCT-related conditions. ClinVar contains an entry for this variant (Variation ID: 331181). Algorithms developed to predict the effect of missense changes on protein structure and function are either unavailable or do not agree on the potential impact of this missense change (SIFT: "Not Available"; PolyPhen-2: "Possibly Damaging"; Align-GVGD: "Not Available"). In summary, the available evidence is currently insufficient to determine the role of this variant in disease. Therefore, it has been classified as a Variant of Uncertain Significance.

NM_002299.4(LCT):c.3986C>T (p.Thr1329Met)

Gene: LCT (lactase; minus strand). Cytogenetic location: 2q21.3.
Variant type: single nucleotide variant.
Coding change: c.3986C>T on transcript NM_002299.4 (MANE Select); coding-DNA position 3986, C replaced by T.
Protein change: p.Thr1329Met; replaces threonine 1329 with methionine.
Molecular consequence: missense variant.
Genome position (GRCh38, 1-based): chr2:135,807,315, G>A on the plus strand (C>T on the coding strand, the complement: LCT is on the minus strand). VCF-style: chr2-135807315-G-A. GRCh37 (hg19) VCF-style: chr2-136564885-G-A.
Other names: c.3986C>T (LRG_338t1); short protein forms T1329M.
Identifiers: ClinVar variation 331181 (VCV000331181.7), dbSNP rs555708380, ClinGen allele CA1887936.